The following is an entry in ClinVar:

NM_001163435.3(TBCK):c.1351-1G>A

Gene: TBCK (TBC1 domain containing kinase; minus strand). Cytogenetic location: 4q24.
Variant type: single nucleotide variant.
Coding change: c.1351-1G>A on transcript NM_001163435.3 (MANE Select); the canonical splice acceptor site of the intron before coding-DNA position 1351, G replaced by A.
Molecular consequence: splice acceptor variant.
Genome position (GRCh38, 1-based): chr4:106,235,368, C>T on the plus strand (G>A on the coding strand, the complement: TBCK is on the minus strand). VCF-style: chr4-106235368-C-T. GRCh37 (hg19) VCF-style: chr4-107156525-C-T.
Other names: c.1351-1G>A (NM_001163436.4); c.1162-1G>A (NM_033115.5); c.1234-1G>A (NM_001163437.3); c.835-1G>A (NM_001290768.2).
Identifiers: ClinVar variation 932113 (VCV000932113.11), dbSNP rs1759337270, ClinGen allele CA357823100.

ClinVar aggregate classification (germline): Likely pathogenic. Review status: criteria provided, multiple submitters, no conflicts (2 of 4 stars). 4 submissions from 4 submitters: Likely pathogenic (4). Last evaluated 2025-09-20.

Conditions:
TBCK-related disorder. Also called: TBCK-related disorders; TBCK-related condition.
Hypotonia, infantile, with psychomotor retardation and characteristic facies 3 (IHPRF3). Also called: TBCK-Related Neurodevelopmental Disorder. Identifiers: Orphanet 488632, MedGen C5567480, MONDO:0014823, OMIM 616900.

Allele frequency attached by ClinVar (database versions not stated): gnomAD exomes below 0.00001.
gnomAD v4.1: 1 of 1,586,774 alleles (0.000063%); highest among the groups gnomAD compares: Non-Finnish European, 0.000086%; no homozygotes.

Submissions (4):

GeneDx
Classification: Likely pathogenic. Last evaluated: 2025-09-20. Review status: criteria provided, single submitter. Criteria: GeneDx Variant Classification Process June 2021. Collection method: clinical testing. Allele origin: germline. Affected: yes.
Comment: Canonical splice site variant predicted to result in an in-frame loss of the adjacent exon in a gene for which loss of function is a known mechanism of disease; Not observed at significant frequency in large population cohorts (gnomAD); Has not been previously published as pathogenic or benign to our knowledge

Labcorp Genetics (formerly Invitae), Labcorp
Classification: Likely pathogenic. Last evaluated: 2025-06-18. Review status: criteria provided, single submitter. Criteria: Invitae Variant Classification Sherloc (09022015). Collection method: clinical testing. Allele origin: germline.
Comment: This sequence change affects an acceptor splice site in intron 14 of the TBCK gene. It is expected to disrupt RNA splicing. Variants that disrupt the donor or acceptor splice site typically lead to a loss of protein function (PMID: 16199547), and loss-of-function variants in TBCK are known to be pathogenic (PMID: 27040692, 30103036). This variant is not present in population databases (gnomAD no frequency). This variant has not been reported in the literature in individuals affected with TBCK-related conditions. ClinVar contains an entry for this variant (Variation ID: 932113). Algorithms developed to predict the effect of sequence changes on RNA splicing suggest that this variant may disrupt the consensus splice site. In summary, the currently available evidence indicates that the variant is pathogenic, but additional data are needed to prove that conclusively. Therefore, this variant has been classified as Likely Pathogenic.

Blueprint Genetics
Classification: Likely pathogenic for TBCK-related disorders. Last evaluated: 2024-09-20. Review status: criteria provided, single submitter. Criteria: ACMG Guidelines, 2015. Collection method: clinical testing. Allele origin: germline. Affected: yes. Observed: 5 variant alleles.

Centre for Mendelian Genomics, University Medical Centre Ljubljana
Classification: Likely pathogenic for Hypotonia, infantile, with psychomotor retardation and characteristic facies 3. Last evaluated: 2019-08-14. Review status: criteria provided, single submitter. Criteria: ACMG Guidelines, 2015. Collection method: clinical testing. Allele origin: unknown. Affected: yes.
Comment: This variant was classified as: Likely pathogenic. The following ACMG criteria were applied in classifying this variant: PVS1,PM2.

Literature cited by the submitters: PubMed 16199547 (cited by Labcorp Genetics (formerly Invitae), Labcorp); PubMed 27040692 (cited by Labcorp Genetics (formerly Invitae), Labcorp); PubMed 30103036 (cited by Labcorp Genetics (formerly Invitae), Labcorp).